The following is an entry in ClinVar:

ClinVar aggregate classification (germline): Conflicting classifications of pathogenicity. Review status: criteria provided, conflicting classifications (1 of 4 stars). 2 submissions from 2 submitters: Likely pathogenic (1); Uncertain significance (1). Last evaluated 2024-05-10.

Conditions:
Ectodermal dysplasia 10A, hypohidrotic/hair/nail type, autosomal dominant (ECTD10A). Also called: Ectodermal Dysplasia 3, Anhidrotic. Identifiers: Orphanet 1810, Orphanet 238468, MedGen C3888065, MONDO:0007509, OMIM 129490.
Autosomal recessive hypohidrotic ectodermal dysplasia syndrome. Also called: Autosomal recessive hypohidrotic ectodermal dysplasia. Identifiers: Orphanet 248, MedGen C0406702, MONDO:0016619.

Allele frequency attached by ClinVar (database versions not stated): TOPMed below 0.00001; gnomAD exomes 0.00002.
gnomAD v4.1: 28 of 1,614,164 alleles (0.0017%); highest among the groups gnomAD compares: Non-Finnish European, 0.0023%; no homozygotes.

Submissions (2):

Blueprint Genetics
Classification: Uncertain significance. Last evaluated: 2024-05-10. Review status: criteria provided, single submitter. Criteria: ACMG Guidelines, 2015. Collection method: clinical testing. Allele origin: germline.

Labcorp Genetics (formerly Invitae), Labcorp
Classification: Likely pathogenic for Ectodermal dysplasia 10A, hypohidrotic/hair/nail type, autosomal dominant; Autosomal recessive hypohidrotic ectodermal dysplasia syndrome. Last evaluated: 2023-11-15. Review status: criteria provided, single submitter. Criteria: Invitae Variant Classification Sherloc (09022015). Collection method: clinical testing. Allele origin: germline.
Comment: This sequence change replaces serine, which is neutral and polar, with asparagine, which is neutral and polar, at codon 402 of the EDAR protein (p.Ser402Asn). This variant is present in population databases (no rsID available, gnomAD 0.0009%). This missense change has been observed in individual(s) with clinical features of autosomal dominant ectodermal dysplasia (Invitae). Advanced modeling of protein sequence and biophysical properties (such as structural, functional, and spatial information, amino acid conservation, physicochemical variation, residue mobility, and thermodynamic stability) performed at Invitae indicates that this missense variant is expected to disrupt EDAR protein function with a positive predictive value of 95%. In summary, the currently available evidence indicates that the variant is pathogenic, but additional data are needed to prove that conclusively. Therefore, this variant has been classified as Likely Pathogenic.

NM_022336.4(EDAR):c.1205G>A (p.Ser402Asn)

Genes: EDAR (ectodysplasin A receptor; minus strand), RANBP2 (RAN binding protein 2; plus strand). Cytogenetic location: 2q13.
Variant type: single nucleotide variant.
Coding change: c.1205G>A on transcript NM_022336.4 (MANE Select); coding-DNA position 1205, G replaced by A.
Protein change: p.Ser402Asn; replaces serine 402 with asparagine.
Molecular consequence: missense variant.
Genome position (GRCh38, 1-based): chr2:108,897,049, C>T on the plus strand (G>A on the coding strand, the complement: EDAR is on the minus strand). VCF-style: chr2-108897049-C-T. GRCh37 (hg19) VCF-style: chr2-109513505-C-T.
Other names: short protein forms S402N.
Identifiers: ClinVar variation 2922761 (VCV002922761.4), dbSNP rs1431108613, ClinGen allele CA348047994.